The following is an entry in ClinVar:

NM_001360.3(DHCR7):c.438delinsAC (p.Asn146fs)

Gene: DHCR7 (7-dehydrocholesterol reductase; minus strand). Cytogenetic location: 11q13.4.
Variant type: Indel.
Coding change: c.438delinsAC on transcript NM_001360.3 (MANE Select); coding-DNA position 438, T replaced by AC.
Protein change: p.Asn146fs; shifts the reading frame from asparagine 146.
Molecular consequence: frameshift variant.
Genome position (GRCh38, 1-based): chr11:71,441,415, A replaced by GT on the plus strand (T replaced by AC on the coding strand, the reverse complement: DHCR7 is on the minus strand). VCF-style: chr11-71441415-A-GT. GRCh37 (hg19) VCF-style: chr11-71152461-A-GT.
Other names: c.438delinsAC, p.Asn146fs (NM_001163817.2, NM_001425107.1, NM_001425109.1 and 7 more transcripts); c.474delinsAC, p.Asn158fs (NM_001425108.1); c.378delinsAC, p.Asn126fs (NM_001425113.1); c.342delinsAC, p.Asn114fs (NM_001425114.1, NM_001425116.1); c.264delinsAC, p.Asn88fs (NM_001425117.1); short protein forms N114fs, N126fs, N146fs, N158fs, N88fs.
Identifiers: ClinVar variation 4814829 (VCV004814829.1).

ClinVar aggregate classification (germline): Likely pathogenic (1 of 4 stars; one submission).

Conditions:
Smith-Lemli-Opitz syndrome (SLOS). Also called: LETHAL ACRODYSGENITAL SYNDROME; POLYDACTYLY, SEX REVERSAL, RENAL HYPOPLASIA, AND UNILOBAR LUNG; RSH SYNDROME; RUTLEDGE LETHAL MULTIPLE CONGENITAL ANOMALY SYNDROME; 7-Dehydrocholesterol reductase deficiency. Identifiers: Orphanet 818, MedGen C0175694, MONDO:0010035, OMIM 270400.

Submission:

Natera, Inc.
Classification: Likely pathogenic for Smith-Lemli-Opitz syndrome. Last evaluated: 2024-12-22. Review status: criteria provided, single submitter. Criteria: Natera Variant Classification Schema (03/2026). Collection method: clinical testing. Allele origin: germline.
Comment: The c.438delTinsAC variant in DHCR7 is a frameshift variant predicted to shift the reading frame beginning at codon 146 and leads to a stop codon 81 codons downstream. This variant is expected to result in nonsense mediated decay, truncation, or a dysfunctional protein product. This variant is rare in the general population with a frequency below the threshold expected for the associated phenotype(s). Given the available evidence, this variant is classified as Likely Pathogenic.